The following is an entry in ClinVar:

NM_006031.6(PCNT):c.8930C>T (p.Ala2977Val)

Gene: PCNT (pericentrin; plus strand). Cytogenetic location: 21q22.3.
Variant type: single nucleotide variant.
Coding change: c.8930C>T on transcript NM_006031.6 (MANE Select); coding-DNA position 8930, C replaced by T.
Protein change: p.Ala2977Val; replaces alanine 2977 with valine.
Molecular consequence: missense variant.
Genome position (GRCh38, 1-based): chr21:46,436,082, C>T. VCF-style: chr21-46436082-C-T. GRCh37 (hg19) VCF-style: chr21-47855995-C-T.
Other names: c.8339C>T, p.Ala2780Val (NM_001315529.2); short protein forms A2977V, A2780V.
Identifiers: ClinVar variation 436273 (VCV000436273.20), dbSNP rs146657011, ClinGen allele CA10081124.

ClinVar aggregate classification (germline): Conflicting classifications of pathogenicity. Review status: criteria provided, conflicting classifications (1 of 4 stars). 5 submissions from 5 submitters: Uncertain significance (2); Likely benign (2). 1 of the submissions does not count toward it. Last evaluated 2025-12-16.

Conditions:
PCNT-related disorder. Also called: PCNT-related condition.
Microcephalic osteodysplastic primordial dwarfism type II (MOPD2). Also called: Microcephalic osteodysplastic primordial dwarfism with tooth abnormalities; MOPD II; OSTEODYSPLASTIC PRIMORDIAL DWARFISM, TYPE II. Identifiers: Orphanet 2637, MedGen C0432246, MONDO:0008872, OMIM 210720.

Allele frequency attached by ClinVar (database versions not stated): ESP Exome Variant Server 0.00008; gnomAD 0.00011 and 0.00022; TOPMed 0.00012; gnomAD exomes 0.00028 and 0.00050; ExAC 0.00032; 1000 Genomes Project 30x 0.00109; 1000 Genomes Project 0.00140.
gnomAD v4.1: 758 of 1,612,724 alleles (0.047%); highest among the groups gnomAD compares: East Asian, 1.3%; 5 homozygotes.

Submissions (6):

Labcorp Genetics (formerly Invitae), Labcorp
Classification: Likely benign. Last evaluated: 2025-12-16. Review status: criteria provided, single submitter. Criteria: Invitae Variant Classification Sherloc (09022015). Collection method: clinical testing. Allele origin: germline.

Blueprint Genetics
Classification: Likely benign. Last evaluated: 2024-05-20. Review status: criteria provided, single submitter. Criteria: ACMG Guidelines, 2015. Collection method: clinical testing. Allele origin: germline.

Illumina Laboratory Services, Illumina
Classification: Uncertain significance for Microcephalic osteodysplastic primordial dwarfism type II. Last evaluated: 2018-01-13. Review status: criteria provided, single submitter. Criteria: ICSL Variant Classification Criteria 13 December 2019. Collection method: clinical testing. Allele origin: germline.

Genetic Services Laboratory, University of Chicago
Classification: Uncertain significance. Last evaluated: 2016-10-14. Review status: criteria provided, single submitter. Criteria: ACMG Guidelines, 2015. Collection method: clinical testing. Allele origin: germline. Affected: no.

PreventionGenetics, part of Exact Sciences
Classification: Likely benign for PCNT-related condition. Last evaluated: 2022-07-21. Review status: no assertion criteria provided. Collection method: clinical testing. Allele origin: germline. Not counted in ClinVar's aggregate classification.
Comment: This variant is classified as likely benign based on ACMG/AMP sequence variant interpretation guidelines (Richards et al. 2015 PMID: 25741868, with internal and published modifications).

Dr. Peter K. Rogan Lab, Western University
No classification provided (evidence only). Condition: Hepatocellular carcinoma. Review status: no classification provided. Collection method: in vitro. Allele origin: not applicable. Functional consequence: retained intron. Not counted in ClinVar's aggregate classification.